The following is an entry in ClinVar:

ClinVar aggregate classification (germline): Uncertain significance (1 of 4 stars; one submission).

Conditions:
Arrhythmogenic right ventricular dysplasia 5. Also called: Arrhythmogenic Right Ventricular Dysplasia/Cardiomyopathy 5; ARRHYTHMOGENIC RIGHT VENTRICULAR DYSPLASIA, FAMILIAL, 5. Identifiers: MedGen C1858379, MONDO:0011459, OMIM 604400.

Allele frequency attached by ClinVar (database versions not stated): gnomAD exomes below 0.00001.
gnomAD v4.1: 1 of 1,613,946 alleles (0.000062%); highest among the groups gnomAD compares: Non-Finnish European, 0.000085%; no homozygotes.

Submission:

Victorian Clinical Genetics Services, Murdoch Childrens Research Institute
Classification: Uncertain significance for Arrhythmogenic right ventricular dysplasia 5. Last evaluated: 2022-03-31. Review status: criteria provided, single submitter. Criteria: ACMG Guidelines, 2015. Collection method: clinical testing. Allele origin: germline. Inheritance: Autosomal dominant inheritance. Affected: yes.
Comment: Based on the classification scheme VCGS_Germline_v1.3.4, this variant is classified as VUS-3B. Following criteria are met: 0105 - The mechanism of disease for this gene is not clearly established. Loss-of-function is a suspected mechanism (PMID: 25343256). (I) 0107 - This gene is associated with autosomal dominant disease. (I) 0200 - Variant is predicted to result in a missense amino acid change from phenylalanine to cysteine. (I) 0251 - This variant is heterozygous. (I) 0301 - Variant is absent from gnomAD (both v2 and v3). (SP) 0501 - Missense variant consistently predicted to be damaging by multiple in silico tools or highly conserved with a major amino acid change. (SP) 0600 - Variant is located in the annotated TMEM43 domain (DECIPHER). (I) 0705 - No comparable missense variants have previous evidence for pathogenicity. (I) 0807 - This variant has no previous evidence of pathogenicity. (I) 0905 - No published segregation evidence has been identified for this variant. (I) 1007 - No published functional evidence has been identified for this variant. (I) 1208 - Inheritance information for this variant is not currently available in this individual. (I) Legend: (SP) - Supporting pathogenic, (I) - Information, (SB) - Supporting benign

Literature cited by the submitters: PubMed 25343256.

NM_024334.3(TMEM43):c.482T>G (p.Phe161Cys)

Gene: TMEM43 (transmembrane protein 43; plus strand). Cytogenetic location: 3p25.1.
Variant type: single nucleotide variant.
Coding change: c.482T>G on transcript NM_024334.3 (MANE Select); coding-DNA position 482, T replaced by G.
Protein change: p.Phe161Cys; replaces phenylalanine 161 with cysteine.
Molecular consequence: missense variant.
Genome position (GRCh38, 1-based): chr3:14,132,905, T>G. VCF-style: chr3-14132905-T-G. GRCh37 (hg19) VCF-style: chr3-14174405-T-G.
Other names: c.485T>G, p.Phe162Cys (NM_001407274.1); c.482T>G, p.Phe161Cys (NM_001407275.1, NM_001407276.1, NM_001407277.1 and 1 more transcripts); c.467T>G, p.Phe156Cys (NM_001407278.1); c.332T>G, p.Phe111Cys (NM_001407280.1); short protein forms F111C, F156C, F161C, F162C.
Identifiers: ClinVar variation 1805384 (VCV001805384.1), dbSNP rs2470184531, ClinGen allele CA351535190.
Genomic context (GRCh38, chr3:14,132,905, plus strand): 5'-TTGATTCCTCTCCCTGAGCAGACACTGAATGGAGGTCAGAAATCATCAACAGCAAAAACT[T>G]CGACCGAGAGATTGGCCACAAAAACCCCAGGTGAGAGCCAGGCCCAAGGCCTGAGTGCAG-3'
Protein context (NP_077310.1, residues 151-171): WRSEIINSKN[Phe161Cys]DREIGHKNPS